The following is an entry in ClinVar:

ClinVar aggregate classification (germline): Pathogenic. Review status: criteria provided, multiple submitters, no conflicts (2 of 4 stars). 2 submissions from 2 submitters: Pathogenic (2). Last evaluated 2025-06-26.

Conditions:
Asphyxiating thoracic dystrophy 3. Also called: SHORT-RIB THORACIC DYSPLASIA 3 WITH OR WITHOUT POLYDACTYLY; POLYDACTYLY WITH NEONATAL CHONDRODYSTROPHY, TYPE I; SHORT-RIB THORACIC DYSPLASIA 3/6 WITH POLYDACTYLY, DIGENIC; Short rib polydactyly syndrome 2B; Saldino-Noonan Syndrome. Identifiers: Orphanet 474, Orphanet 93269, Orphanet 93270, Orphanet 93271, MedGen C0036069, MONDO:0013127, OMIM 613091.
Jeune thoracic dystrophy. Also called: Jeune syndrome; Infantile thoracic dystrophy; Thoracic pelvic phalangeal dystrophy; Jeune's syndrome; Chondroectodermal dysplasia-like syndrome; Short-rib thoracic dysplasia. Identifiers: Orphanet 474, MedGen C0265275, MONDO:0018770.

Submissions (2):

Myriad Genetics, Inc.
Classification: Pathogenic for Asphyxiating thoracic dystrophy 3. Last evaluated: 2025-06-26. Review status: criteria provided, single submitter. Criteria: Myriad Autosomal Dominant, Autosomal Recessive and X-Linked Classification Criteria (2023). Collection method: clinical testing. Allele origin: unknown.
Comment: NM_001377.2(DYNC2H1):c.7527T>G(Y2509*) is expected to be pathogenic in the context of DYNC2H1-related disorders. This variant is predicted to lead to an abnormal or absent protein product due to the creation of a premature termination codon in DYNC2H1, a gene where loss-of-function variants are known to be pathogenic. Please note: this variant was assessed in the context of healthy population screening.

Labcorp Genetics (formerly Invitae), Labcorp
Classification: Pathogenic for Jeune thoracic dystrophy. Last evaluated: 2023-09-17. Review status: criteria provided, single submitter. Criteria: Invitae Variant Classification Sherloc (09022015). Collection method: clinical testing. Allele origin: germline.
Comment: For these reasons, this variant has been classified as Pathogenic. This variant has not been reported in the literature in individuals affected with DYNC2H1-related conditions. This variant is not present in population databases (gnomAD no frequency). This sequence change creates a premature translational stop signal (p.Tyr2509*) in the DYNC2H1 gene. It is expected to result in an absent or disrupted protein product. Loss-of-function variants in DYNC2H1 are known to be pathogenic (PMID: 23339108, 32753734, 33755199).

Literature cited by the submitters: PubMed 23339108 (cited by Labcorp Genetics (formerly Invitae), Labcorp); PubMed 32753734 (cited by Labcorp Genetics (formerly Invitae), Labcorp); PubMed 33755199 (cited by Labcorp Genetics (formerly Invitae), Labcorp).

NM_001377.3(DYNC2H1):c.7527T>G (p.Tyr2509Ter)

Gene: DYNC2H1 (dynein cytoplasmic 2 heavy chain 1; plus strand). Cytogenetic location: 11q22.3.
Variant type: single nucleotide variant.
Coding change: c.7527T>G on transcript NM_001377.3 (MANE Select); coding-DNA position 7527, T replaced by G.
Protein change: p.Tyr2509Ter; replaces tyrosine 2509 with a stop codon.
Molecular consequence: nonsense.
Genome position (GRCh38, 1-based): chr11:103,191,606, T>G. VCF-style: chr11-103191606-T-G. GRCh37 (hg19) VCF-style: chr11-103062335-T-G.
Other names: c.7527T>G, p.Tyr2509Ter (NM_001080463.2); short protein forms Y2509*.
Identifiers: ClinVar variation 2914766 (VCV002914766.4), dbSNP rs1322369710, ClinGen allele CA382254214.